The following is an entry in ClinVar:

NM_001387263.1(PATL2):c.930G>A (p.Lys310=)

Gene: PATL2 (PAT1 homolog 2; minus strand). Cytogenetic location: 15q21.1.
Variant type: single nucleotide variant.
Coding change: c.930G>A on transcript NM_001387263.1 (MANE Select); coding-DNA position 930, G replaced by A.
Protein change: p.Lys310=; no amino-acid change (lysine 310 retained).
Molecular consequence: synonymous variant.
Genome position (GRCh38, 1-based): chr15:44,669,510, C>T on the plus strand (G>A on the coding strand, the complement: PATL2 is on the minus strand). VCF-style: chr15-44669510-C-T. GRCh37 (hg19) VCF-style: chr15-44961708-C-T.
Other names: c.930G>A, p.Lys310= (NM_001145112.2, NM_001387261.1, NM_001387262.1); c.363G>A, p.Lys121= (NM_001330283.2); c.837G>A, p.Lys279= (NM_001387260.1, NM_001387264.1).
Identifiers: ClinVar variation 3382909 (VCV003382909.2).

ClinVar aggregate classification (germline): Uncertain significance (1 of 4 stars; one submission).

Conditions:
Oocyte maturation defect 4. Also called: OOCYTE/ZYGOTE/EMBRYO MATURATION ARREST 4. Identifiers: MedGen C4540284, MONDO:0021575, OMIM 617743.

gnomAD v4.1: 2 of 1,551,134 alleles (0.00013%); highest among the groups gnomAD compares: Non-Finnish European, 0.00017%; no homozygotes.

Submission:

Juno Genomics, Hangzhou Juno Genomics, Inc
Classification: Uncertain significance for Oocyte maturation defect 4. Review status: criteria provided, single submitter. Criteria: ACMG Guidelines, 2015. Collection method: clinical testing. Allele origin: germline. Affected: yes.
Comment: Absent from controls (or at extremely low frequency if recessive) in Genome Aggregation Database, Exome Sequencing Project, 1000 Genomes Project, or Exome Aggregation Consortium.;Patient's phenotype or family history is highly specific for a disease with a single genetic etiology.;Multiple lines of computational evidence support a deleterious effect on the gene or gene product (conservation, evolutionary, splicing impact, etc).